The following is an entry in ClinVar:

NM_003119.4(SPG7):c.2348A>G (p.Gln783Arg)

Gene: SPG7 (SPG7 matrix AAA peptidase subunit, paraplegin; plus strand). Cytogenetic location: 16q24.3.
Variant type: single nucleotide variant.
Coding change: c.2348A>G on transcript NM_003119.4 (MANE Select); coding-DNA position 2348, A replaced by G.
Protein change: p.Gln783Arg; replaces glutamine 783 with arginine.
Molecular consequence: missense variant. On other transcripts: 3 prime UTR variant (1).
Genome position (GRCh38, 1-based): chr16:89,557,053, A>G. VCF-style: chr16-89557053-A-G. GRCh37 (hg19) VCF-style: chr16-89623461-A-G.
Other names: c.*126A>G (NM_001363850.1); short protein forms Q783R.
Identifiers: ClinVar variation 3703002 (VCV003703002.2).

ClinVar aggregate classification (germline): Uncertain significance (1 of 4 stars; one submission).

Conditions:
Hereditary spastic paraplegia 7 (SPG7). Also called: SPASTIC PARAPLEGIA 7, AUTOSOMAL RECESSIVE, WITH OR WITHOUT CEREBELLAR ATAXIA; SPG7-related neurologic disorder; Spastic paraplegia 7; Hereditary spastic paraplegia Paraplegin type; Autosomal recessive spastic paraplegia type 7. Identifiers: Orphanet 99013, MedGen C1846564, MONDO:0011803, OMIM 607259.

gnomAD v4.1: 36 of 1,612,346 alleles (0.0022%); highest among the groups gnomAD compares: Non-Finnish European, 0.0029%; no homozygotes.

Submission:

Labcorp Genetics (formerly Invitae), Labcorp
Classification: Uncertain significance for Hereditary spastic paraplegia 7. Last evaluated: 2024-08-11. Review status: criteria provided, single submitter. Criteria: Invitae Variant Classification Sherloc (09022015). Collection method: clinical testing. Allele origin: germline.
Comment: This sequence change replaces glutamine, which is neutral and polar, with arginine, which is basic and polar, at codon 783 of the SPG7 protein (p.Gln783Arg). This variant is present in population databases (rs781747906, gnomAD 0.002%). This variant has not been reported in the literature in individuals affected with SPG7-related conditions. Advanced modeling of protein sequence and biophysical properties (such as structural, functional, and spatial information, amino acid conservation, physicochemical variation, residue mobility, and thermodynamic stability) performed at Invitae indicates that this missense variant is not expected to disrupt SPG7 protein function with a negative predictive value of 95%. In summary, the available evidence is currently insufficient to determine the role of this variant in disease. Therefore, it has been classified as a Variant of Uncertain Significance.